The following is an entry in ClinVar:

NM_020433.5(JPH2):c.899G>C (p.Arg300Pro)

Gene: JPH2 (junctophilin 2; minus strand). Cytogenetic location: 20q13.12.
Variant type: single nucleotide variant.
Coding change: c.899G>C on transcript NM_020433.5 (MANE Select); coding-DNA position 899, G replaced by C.
Protein change: p.Arg300Pro; replaces arginine 300 with proline.
Molecular consequence: missense variant.
Genome position (GRCh38, 1-based): chr20:44,159,888, C>G on the plus strand (G>C on the coding strand, the complement: JPH2 is on the minus strand). VCF-style: chr20-44159888-C-G. GRCh37 (hg19) VCF-style: chr20-42788528-C-G.
Other names: short protein forms R300P.
Identifiers: ClinVar variation 844303 (VCV000844303.1), dbSNP rs2072594403, ClinGen allele CA409093428.

ClinVar aggregate classification (germline): Uncertain significance (1 of 4 stars; one submission).

Conditions:
Hypertrophic cardiomyopathy. Also called: HYPERTROPHIC MYOCARDIOPATHY. Identifiers: Orphanet 217569, MedGen C0007194, MeSH D002312, MONDO:0005045, HP:0001639.

gnomAD v4.1: 1 of 1,613,284 alleles (0.000062%); highest among the groups gnomAD compares: Non-Finnish European, 0.000085%; no homozygotes.

Submission:

Labcorp Genetics (formerly Invitae), Labcorp
Classification: Uncertain significance for Hypertrophic cardiomyopathy. Last evaluated: 2019-12-31. Review status: criteria provided, single submitter. Criteria: Invitae Variant Classification Sherloc (09022015). Collection method: clinical testing. Allele origin: germline.
Comment: This sequence change replaces arginine with proline at codon 300 of the JPH2 protein (p.Arg300Pro). The arginine residue is highly conserved and there is a moderate physicochemical difference between arginine and proline. This variant is not present in population databases (ExAC no frequency). This variant has not been reported in the literature in individuals with JPH2-related conditions. Algorithms developed to predict the effect of missense changes on protein structure and function are either unavailable or do not agree on the potential impact of this missense change (SIFT: "Deleterious"; PolyPhen-2: "Probably Damaging"; Align-GVGD: "Class C0"). In summary, the available evidence is currently insufficient to determine the role of this variant in disease. Therefore, it has been classified as a Variant of Uncertain Significance.